The following is an entry in ClinVar:

ClinVar aggregate classification (germline): Uncertain significance (1 of 4 stars; one submission).

Conditions:
Leigh syndrome (NULS). Also called: Leigh's necrotizing encephalopathy; Leigh's disease; Leigh's syndrome; LEIGH SYNDROME, NUCLEAR; Leigh Syndrome (mtDNA deletion); Leigh Disease. Identifiers: Orphanet 506, MedGen C2931891, MONDO:0009723, OMIM 256000.

Submission:

Wong Mito Lab, Molecular and Human Genetics, Baylor College of Medicine
Classification: Uncertain significance for Leigh syndrome. Last evaluated: 2019-10-17. Review status: criteria provided, single submitter. Criteria: Modified ACMG Guidelines (Unpublished). Collection method: clinical testing. Allele origin: germline.
Comment: The NC_012920.1:m.14945G>A (YP_003024038.1:p.Ala67Thr) variant in MTCYB gene is interpretated to be a Uncertain Significance variant based on the modified ACMG guidelines (unpublished). This variant meets the following evidence codes: BS4

NC_012920.1(MT-CYB):m.14945G>A

Gene: MT-CYB (mitochondrially encoded cytochrome b; plus strand).
Variant type: single nucleotide variant.
Genome position: chrM-14945-G-A.
Identifiers: ClinVar variation 693792 (VCV000693792.1), dbSNP rs1603224974, ClinGen allele CA645611441.